The following is an entry in ClinVar:

ClinVar aggregate classification (germline): Uncertain significance. Review status: criteria provided, multiple submitters, no conflicts (2 of 4 stars). 2 submissions from 2 submitters: Uncertain significance (2). Last evaluated 2025-01-20.

Conditions:
Inborn genetic diseases. Identifiers: MedGen C0950123, MeSH D030342.
Monocytopenia with susceptibility to infections. Also called: Dendritic cell, monocyte, B lymphocyte, and natural killer lymphocyte deficiency; GATA2 DEFICIENCY; MONOCYTOPENIA AND MYCOBACTERIAL INFECTION SYNDROME; MONOCYTOPENIA WITH SUSCEPTIBILITY TO MYCOBACTERIAL, FUNGAL, AND PAPILLOMAVIRUS INFECTIONS AND MYELODYSPLASIA; COMBINED IMMUNODEFICIENCY WITH SUSCEPTIBILITY TO MYCOBACTERIAL, VIRAL, AND FUNGAL INFECTIONS; IMMUNODEFICIENCY 21. Identifiers: Orphanet 228423, MedGen C3280030, MONDO:0013607, OMIM 614172.
Deafness-lymphedema-leukemia syndrome. Also called: Lymphedema, primary, with myelodysplasia; Emberger syndrome. Identifiers: Orphanet 3226, MedGen C3279664, MONDO:0013540, OMIM 614038.

Submissions (2):

Ambry Genetics
Classification: Uncertain significance for Inborn genetic diseases. Last evaluated: 2025-01-20. Review status: criteria provided, single submitter. Criteria: Ambry Variant Classification Scheme 2023. Collection method: clinical testing. Allele origin: germline.
Comment: The p.A411E variant (also known as c.1232C>A), located in coding exon 5 of the GATA2 gene, results from a C to A substitution at nucleotide position 1232. The alanine at codon 411 is replaced by glutamic acid, an amino acid with dissimilar properties. This amino acid position is not well conserved in available vertebrate species. In addition, the in silico prediction for this alteration is inconclusive. Based on the available evidence, the clinical significance of this variant remains unclear.

Labcorp Genetics (formerly Invitae), Labcorp
Classification: Uncertain significance for Monocytopenia with susceptibility to infections; Deafness-lymphedema-leukemia syndrome. Last evaluated: 2023-07-17. Review status: criteria provided, single submitter. Criteria: Invitae Variant Classification Sherloc (09022015). Collection method: clinical testing. Allele origin: germline.
Comment: Advanced modeling of protein sequence and biophysical properties (such as structural, functional, and spatial information, amino acid conservation, physicochemical variation, residue mobility, and thermodynamic stability) has been performed at Invitae for this missense variant, however the output from this modeling did not meet the statistical confidence thresholds required to predict the impact of this variant on GATA2 protein function. In summary, the available evidence is currently insufficient to determine the role of this variant in disease. Therefore, it has been classified as a Variant of Uncertain Significance. ClinVar contains an entry for this variant (Variation ID: 642823). This variant has not been reported in the literature in individuals affected with GATA2-related conditions. This variant is not present in population databases (gnomAD no frequency). This sequence change replaces alanine, which is neutral and non-polar, with glutamic acid, which is acidic and polar, at codon 411 of the GATA2 protein (p.Ala411Glu).

NM_032638.5(GATA2):c.1232C>A (p.Ala411Glu)

Gene: GATA2 (GATA binding protein 2; minus strand). Cytogenetic location: 3q21.3.
Variant type: single nucleotide variant.
Coding change: c.1232C>A on transcript NM_032638.5 (MANE Select); coding-DNA position 1232, C replaced by A.
Protein change: p.Ala411Glu; replaces alanine 411 with glutamic acid.
Molecular consequence: missense variant.
Genome position (GRCh38, 1-based): chr3:128,481,230, G>T on the plus strand (C>A on the coding strand, the complement: GATA2 is on the minus strand). VCF-style: chr3-128481230-G-T. GRCh37 (hg19) VCF-style: chr3-128200073-G-T.
Other names: c.1232C>A, p.Ala411Glu (NM_001145661.2); c.1190C>A, p.Ala397Glu (NM_001145662.1); short protein forms A397E, A411E.
Identifiers: ClinVar variation 642823 (VCV000642823.9), dbSNP rs374457534, ClinGen allele CA354413053.